The following is an entry in ClinVar:

NM_015041.3(CLUAP1):c.372C>G (p.Asn124Lys)

Gene: CLUAP1 (clusterin associated protein 1; plus strand). Cytogenetic location: 16p13.3.
Variant type: single nucleotide variant.
Coding change: c.372C>G on transcript NM_015041.3 (MANE Select); coding-DNA position 372, C replaced by G.
Protein change: p.Asn124Lys; replaces asparagine 124 with lysine.
Molecular consequence: missense variant.
Genome position (GRCh38, 1-based): chr16:3,508,441, C>G. VCF-style: chr16-3508441-C-G. GRCh37 (hg19) VCF-style: chr16-3558441-C-G.
Other names: c.372C>G, p.Asn124Lys (NM_001330454.2); short protein forms N124K.
Identifiers: ClinVar variation 1505007 (VCV001505007.8), dbSNP rs1318653651, ClinGen allele CA394512448.
Genomic context (GRCh38, chr16:3,508,441, plus strand): 5'-TTATAATGCTATGAAGACCAAGGGGATGGAGGGCTCTGAAATAGTAGAGGAAGATGTCAA[C>G]AAGTTCAAGTTTGATCTTGGCTCAAAGGTAAGGACAACAAAAGCCTTGTAGTGGGCGATG-3'
Protein context (NP_055856.1, residues 114-134): EGSEIVEEDV[Asn124Lys]KFKFDLGSKI

ClinVar aggregate classification (germline): Uncertain significance (1 of 4 stars; one submission).

Allele frequency attached by ClinVar (database versions not stated): gnomAD exomes below 0.00001.
gnomAD v4.1: 5 of 1,579,360 alleles (0.00032%); highest among the groups gnomAD compares: East Asian, 0.0023%; no homozygotes.

Submission:

Labcorp Genetics (formerly Invitae), Labcorp
Classification: Uncertain significance. Last evaluated: 2023-07-31. Review status: criteria provided, single submitter. Criteria: Invitae Variant Classification Sherloc (09022015). Collection method: clinical testing. Allele origin: germline.
Comment: In summary, the available evidence is currently insufficient to determine the role of this variant in disease. Therefore, it has been classified as a Variant of Uncertain Significance. Advanced modeling of protein sequence and biophysical properties (such as structural, functional, and spatial information, amino acid conservation, physicochemical variation, residue mobility, and thermodynamic stability) performed at Invitae indicates that this missense variant is not expected to disrupt CLUAP1 protein function. ClinVar contains an entry for this variant (Variation ID: 1505007). This variant has not been reported in the literature in individuals affected with CLUAP1-related conditions. This variant is not present in population databases (gnomAD no frequency). This sequence change replaces asparagine, which is neutral and polar, with lysine, which is basic and polar, at codon 124 of the CLUAP1 protein (p.Asn124Lys).